The following is an entry in ClinVar:

NM_001486.4(GCKR):c.760C>T (p.Leu254Phe)

Gene: GCKR (glucokinase regulator; plus strand). Cytogenetic location: 2p23.3.
Variant type: single nucleotide variant.
Coding change: c.760C>T on transcript NM_001486.4 (MANE Select); coding-DNA position 760, C replaced by T.
Protein change: p.Leu254Phe; replaces leucine 254 with phenylalanine.
Molecular consequence: missense variant.
Genome position (GRCh38, 1-based): chr2:27,505,727, C>T. VCF-style: chr2-27505727-C-T. GRCh37 (hg19) VCF-style: chr2-27728594-C-T.
Other names: short protein forms L254F.
Identifiers: ClinVar variation 3714379 (VCV003714379.2).

ClinVar aggregate classification (germline): Uncertain significance (1 of 4 stars; one submission).

gnomAD v4.1: 1 of 1,601,034 alleles (0.000062%); no homozygotes.

Submission:

Labcorp Genetics (formerly Invitae), Labcorp
Classification: Uncertain significance. Last evaluated: 2024-11-05. Review status: criteria provided, single submitter. Criteria: Invitae Variant Classification Sherloc (09022015). Collection method: clinical testing. Allele origin: germline.
Comment: This sequence change replaces leucine, which is neutral and non-polar, with phenylalanine, which is neutral and non-polar, at codon 254 of the GCKR protein (p.Leu254Phe). This variant is not present in population databases (gnomAD no frequency). This variant has not been reported in the literature in individuals affected with GCKR-related conditions. Invitae Evidence Modeling of protein sequence and biophysical properties (such as structural, functional, and spatial information, amino acid conservation, physicochemical variation, residue mobility, and thermodynamic stability) indicates that this missense variant is not expected to disrupt GCKR protein function with a negative predictive value of 80%. In summary, the available evidence is currently insufficient to determine the role of this variant in disease. Therefore, it has been classified as a Variant of Uncertain Significance.